The following is an entry in ClinVar:

NM_001042492.3(NF1):c.2704A>G (p.Met902Val)

Gene: NF1 (neurofibromin 1; plus strand). Cytogenetic location: 17q11.2.
Variant type: single nucleotide variant.
Coding change: c.2704A>G on transcript NM_001042492.3 (MANE Select); coding-DNA position 2704, A replaced by G.
Protein change: p.Met902Val; replaces methionine 902 with valine.
Molecular consequence: missense variant.
Genome position (GRCh38, 1-based): chr17:31,229,319, A>G. VCF-style: chr17-31229319-A-G. GRCh37 (hg19) VCF-style: chr17-29556337-A-G.
Other names: c.2704A>G, p.Met902Val (NM_000267.4); short protein forms M902V.
Identifiers: ClinVar variation 3237692 (VCV003237692.1), dbSNP rs2067071704.

ClinVar aggregate classification (germline): Uncertain significance (1 of 4 stars; one submission).

Conditions:
Hereditary cancer-predisposing syndrome. Also called: Neoplastic Syndromes, Hereditary; Tumor predisposition; Hereditary neoplastic syndrome; Hereditary Cancer Syndrome. Identifiers: Orphanet 140162, MedGen C0027672, MeSH D009386, MONDO:0015356.
Cardiovascular phenotype. Identifiers: MedGen CN230736.

Allele frequency attached by ClinVar (database versions not stated): gnomAD exomes below 0.00001.
gnomAD v4.1: 1 of 1,613,958 alleles (0.000062%); highest among the groups gnomAD compares: Non-Finnish European, 0.000085%; no homozygotes.

Submission:

Ambry Genetics
Classification: Uncertain significance for Cardiovascular phenotype; Hereditary cancer-predisposing syndrome. Last evaluated: 2023-04-04. Review status: criteria provided, single submitter. Criteria: Ambry Variant Classification Scheme 2023. Collection method: clinical testing. Allele origin: germline.
Comment: The p.M902V variant (also known as c.2704A>G), located in coding exon 21 of the NF1 gene, results from an A to G substitution at nucleotide position 2704. The methionine at codon 902 is replaced by valine, an amino acid with highly similar properties. This amino acid position is well conserved in available vertebrate species. In addition, the in silico prediction for this alteration is inconclusive. Since supporting evidence is limited at this time, the clinical significance of this alteration remains unclear.